The following is an entry in ClinVar:

ClinVar aggregate classification (germline): Likely benign (0 of 4 stars; one submission).

Conditions:
ACSL6-related disorder. Also called: ACSL6-related condition.

Allele frequency attached by ClinVar (database versions not stated): gnomAD exomes 0.00033; gnomAD 0.00046; ExAC 0.00071; TOPMed 0.00080; 1000 Genomes Project 0.00200; 1000 Genomes Project 30x 0.00219.
gnomAD v4.1: 554 of 1,610,556 alleles (0.034%); highest among the groups gnomAD compares: Admixed American, 0.6%; 4 homozygotes.

Submission:

PreventionGenetics, part of Exact Sciences
Classification: Likely benign for ACSL6-related condition. Last evaluated: 2020-10-06. Review status: no assertion criteria provided. Collection method: clinical testing. Allele origin: germline.
Comment: This variant is classified as likely benign based on ACMG/AMP sequence variant interpretation guidelines (Richards et al. 2015 PMID: 25741868, with internal and published modifications).

NM_001009185.3(ACSL6):c.451G>A (p.Val151Met)

Gene: ACSL6 (acyl-CoA synthetase long chain family member 6; minus strand). Cytogenetic location: 5q31.1.
Variant type: single nucleotide variant.
Coding change: c.451G>A on transcript NM_001009185.3 (MANE Select); coding-DNA position 451, G replaced by A.
Protein change: p.Val151Met; replaces valine 151 with methionine.
Molecular consequence: missense variant. On other transcripts: non-coding transcript variant (3).
Genome position (GRCh38, 1-based): chr5:131,989,508, C>T on the plus strand (G>A on the coding strand, the complement: ACSL6 is on the minus strand). VCF-style: chr5-131989508-C-T. GRCh37 (hg19) VCF-style: chr5-131325201-C-T.
Other names: c.451G>A, p.Val151Met (NM_015256.4, NM_001405477.1); c.346G>A, p.Val116Met (NM_001205247.2, NM_001405485.1, NM_001405486.1); c.376G>A, p.Val126Met (NM_001205248.2, NM_001405479.1, NM_001405480.1 and 4 more transcripts); c.409G>A, p.Val137Met (NM_001205250.1, NM_001405478.1); c.271G>A, p.Val91Met (NM_001205251.2, NM_001405487.1, NM_001405488.1 and 2 more transcripts); c.445G>A, p.Val149Met (NM_001405475.1); c.421G>A, p.Val141Met (NM_001405476.1); short protein forms V116M, V126M, V137M, V141M, V149M, V151M, V91M.
Identifiers: ClinVar variation 3038461 (VCV003038461.2), dbSNP rs3763118, ClinGen allele CA3401729.
Genomic context (GRCh38, chr5:131,989,508, plus strand): 5'-TGCATGCTTTACAATTGTGCTGGAGAAGTCCGGACCCCAGAAATTCAGCCCTGTCGGCCA[C>T]CTGCACACAGATGTGGGGAAGTGATGGGAAAACAAGGACTCTTCAACAGGGGAAGGAGAT-3'
Protein context (NP_001009185.1, residues 141-161): QPYQWLSYQE[Val151Met]ADRAEFLGSG